The following is an entry in ClinVar:

ClinVar aggregate classification (germline): Pathogenic. Review status: criteria provided, multiple submitters, no conflicts (2 of 4 stars). 5 submissions from 5 submitters: Pathogenic (4). 1 of the submissions does not count toward it. Last evaluated 2025-10-08.

Conditions:
RBCK1-related disorder. Also called: RBCK1-related condition.
Polyglucosan body myopathy type 1 (PGBM1). Also called: Polyglucosan body myopathy 1 with or without immunodeficiency; POLYGLUCOSAN BODY MYOPATHY WITHOUT IMMUNODEFICIENCY. Identifiers: Orphanet 329173, Orphanet 397937, MedGen C4014605, MONDO:0014389, OMIM 615895.

Submissions (5):

Labcorp Genetics (formerly Invitae), Labcorp
Classification: Pathogenic for Polyglucosan body myopathy type 1. Last evaluated: 2025-10-08. Review status: criteria provided, single submitter. Criteria: Invitae Variant Classification Sherloc (09022015). Collection method: clinical testing. Allele origin: germline.
Comment: This sequence change creates a premature translational stop signal (p.Glu299Valfs*46) in the RBCK1 gene. It is expected to result in an absent or disrupted protein product. Loss-of-function variants in RBCK1 are known to be pathogenic (PMID: 2379848, 23104095, 23889995). This variant is present in population databases (rs727503764, gnomAD 0.004%). This premature translational stop signal has been observed in individuals with clinical features of polyglucosan body myopathy with or without immunodeficiency (PMID: 23798481, 29260357, 31407473). ClinVar contains an entry for this variant (Variation ID: 140625). For these reasons, this variant has been classified as Pathogenic.

Blueprint Genetics
Classification: Pathogenic for RBCK1-related disorders. Last evaluated: 2023-09-18. Review status: criteria provided, single submitter. Criteria: ACMG Guidelines, 2015. Collection method: clinical testing. Allele origin: germline. Affected: yes. Observed: 2 variant alleles.

Institute of Human Genetics, Clinical Exome/Genome Diagnostics Group, University Hospital Bonn
Classification: Pathogenic for Polyglucosan body myopathy type 1. Last evaluated: 2021-02-08. Review status: criteria provided, single submitter. Criteria: ACMG Guidelines, 2015. Collection method: clinical testing. Allele origin: biparental.
Comment: PVS1, PS4_moderate, PM2

Institute of Human Genetics Munich, TUM University Hospital
Classification: Pathogenic for Polyglucosan body myopathy type 1. Last evaluated: 2019-06-07. Review status: criteria provided, single submitter. Criteria: Classification criteria August 2017. Collection method: clinical testing. Allele origin: inherited. Inheritance: Autosomal recessive inheritance. Affected: yes. Observed: 1 homozygote.

OMIM
Classification: Pathogenic for POLYGLUCOSAN BODY MYOPATHY 1 WITH OR WITHOUT IMMUNODEFICIENCY. Last evaluated: 2013-12-01. Review status: no assertion criteria provided. Collection method: literature only. Allele origin: germline. Not counted in ClinVar's aggregate classification.

Literature cited by the submitters: PubMed 2379848 (cited by Labcorp Genetics (formerly Invitae), Labcorp); PubMed 23104095 (cited by Labcorp Genetics (formerly Invitae), Labcorp); PubMed 23889995 (cited by Labcorp Genetics (formerly Invitae), Labcorp); PubMed 23798481 (cited by Labcorp Genetics (formerly Invitae), Labcorp and OMIM); PubMed 29260357 (cited by Labcorp Genetics (formerly Invitae), Labcorp and OMIM); PubMed 31407473 (cited by Labcorp Genetics (formerly Invitae), Labcorp); PubMed 18691923 (cited by OMIM).

NM_031229.4(RBCK1):c.896_899del (p.Glu299fs)

Gene: RBCK1 (RANBP2-type and C3HC4-type zinc finger containing 1; plus strand). Cytogenetic location: 20p13.
Variant type: Deletion.
Coding change: c.896_899del on transcript NM_031229.4 (MANE Select); coding-DNA positions 896 to 899, 4 bases deleted (AGTG; older notation c.896_899delAGTG).
Protein change: p.Glu299fs; shifts the reading frame from glutamic acid 299.
Molecular consequence: frameshift variant. On other transcripts: intron variant (2).
Genome position (GRCh38, 1-based): chr20:421,010-421,013, AGTG deleted; deleting any 4 consecutive bases within chr20:421,007-421,013 gives the same sequence; the c. name uses the placement nearest the transcript's 3' end. VCF-style (leftmost placement, unchanged base first): chr20-421006-CGTGA-C. GRCh37 (hg19) VCF-style: chr20-401650-CGTGA-C.
Other names: c.770_773del, p.Glu257fs (NM_006462.6); c.408-1117_408-1114del (NM_001323956.2, NM_001323958.2); short protein forms E257fs, E299fs.
Identifiers: ClinVar variation 140625 (VCV000140625.13), dbSNP rs727503764, ClinGen allele CA163458.